The following is an entry in ClinVar:

NM_182961.4(SYNE1):c.13718A>C (p.Lys4573Thr)

Gene: SYNE1 (spectrin repeat containing nuclear envelope protein 1; minus strand). Cytogenetic location: 6q25.2.
Variant type: single nucleotide variant.
Coding change: c.13718A>C on transcript NM_182961.4 (MANE Select); coding-DNA position 13718, A replaced by C.
Protein change: p.Lys4573Thr; replaces lysine 4573 with threonine.
Molecular consequence: missense variant.
Genome position (GRCh38, 1-based): chr6:152,330,967, T>G on the plus strand (A>C on the coding strand, the complement: SYNE1 is on the minus strand). VCF-style: chr6-152330967-T-G. GRCh37 (hg19) VCF-style: chr6-152652102-T-G.
Other names: c.13505A>C, p.Lys4502Thr (NM_033071.5); short protein forms K4502T, K4573T.
Identifiers: ClinVar variation 578558 (VCV000578558.17), dbSNP rs368653411, ClinGen allele CA4056132.

ClinVar aggregate classification (germline): Uncertain significance. Review status: criteria provided, multiple submitters, no conflicts (2 of 4 stars). 4 submissions from 4 submitters: Uncertain significance (4). Last evaluated 2023-02-21.

Conditions:
Emery-Dreifuss muscular dystrophy 4, autosomal dominant (EDMD4). Also called: EMERY-DREIFUSS MUSCULAR DYSTROPHY 4 WITH VARIABLE FEATURES. Identifiers: Orphanet 261, MedGen C2751807, MONDO:0013071, OMIM 612998.
Autosomal recessive ataxia, Beauce type. Also called: SYNE1-Related Autosomal Recessive Cerebellar Ataxia; ATAXIA, RECESSIVE, OF BEAUCE; Spinocerebellar ataxia, autosomal recessive 8; SYNE1 Deficiency. Identifiers: Orphanet 88644, MedGen C1853116, MONDO:0012549, OMIM 610743.

Allele frequency attached by ClinVar (database versions not stated): gnomAD exomes below 0.00001 and 0.00002; gnomAD 0.00005; TOPMed 0.00007; ESP Exome Variant Server 0.00015; ExAC 0.00002.
gnomAD v4.1: 11 of 1,614,002 alleles (0.00068%); highest among the groups gnomAD compares: African/African-American, 0.011%; no homozygotes.

Submissions (4):

GeneDx
Classification: Uncertain significance. Last evaluated: 2023-02-21. Review status: criteria provided, single submitter. Criteria: GeneDx Variant Classification Process June 2021. Collection method: clinical testing. Allele origin: germline.
Comment: In silico analysis supports that this missense variant has a deleterious effect on protein structure/function; Has not been previously published as pathogenic or benign to our knowledge

Labcorp Genetics (formerly Invitae), Labcorp
Classification: Uncertain significance for Emery-Dreifuss muscular dystrophy 4, autosomal dominant; Autosomal recessive ataxia, Beauce type. Last evaluated: 2022-05-30. Review status: criteria provided, single submitter. Criteria: Invitae Variant Classification Sherloc (09022015). Collection method: clinical testing. Allele origin: germline.
Comment: This sequence change replaces lysine, which is basic and polar, with threonine, which is neutral and polar, at codon 4502 of the SYNE1 protein (p.Lys4502Thr). This variant is present in population databases (rs368653411, gnomAD 0.02%). This variant has not been reported in the literature in individuals affected with SYNE1-related conditions. ClinVar contains an entry for this variant (Variation ID: 578558). Algorithms developed to predict the effect of missense changes on protein structure and function (SIFT, PolyPhen-2, Align-GVGD) all suggest that this variant is likely to be disruptive. In summary, the available evidence is currently insufficient to determine the role of this variant in disease. Therefore, it has been classified as a Variant of Uncertain Significance.

Revvity Omics, Revvity
Classification: Uncertain significance. Last evaluated: 2019-08-20. Review status: criteria provided, single submitter. Criteria: ACMG Guidelines, 2015. Collection method: clinical testing. Allele origin: germline.

Eurofins Ntd Llc (ga)
Classification: Uncertain significance. Last evaluated: 2017-10-10. Review status: criteria provided, single submitter. Criteria: EGL Classification Definitions 2015. Collection method: clinical testing. Allele origin: germline. Observed: 1 variant allele, 1 heterozygote.